The following is an entry in ClinVar:

NM_004586.3(RPS6KA3):c.96T>C (p.Pro32=)

Gene: RPS6KA3 (ribosomal protein S6 kinase A3; minus strand). Cytogenetic location: Xp22.12.
Variant type: single nucleotide variant.
Coding change: c.96T>C on transcript NM_004586.3 (MANE Select); coding-DNA position 96, T replaced by C.
Protein change: p.Pro32=; no amino-acid change (proline 32 retained).
Molecular consequence: synonymous variant.
Genome position (GRCh38, 1-based): chrX:20,234,788, A>G on the plus strand (T>C on the coding strand, the complement: RPS6KA3 is on the minus strand). VCF-style: chrX-20234788-A-G. GRCh37 (hg19) VCF-style: chrX-20252906-A-G.
Other names: c.12T>C, p.Pro4= (NM_001438340.1).
Identifiers: ClinVar variation 5000427 (VCV005000427.1).
Genomic context (GRCh38, chrX:20,234,788, plus strand): 5'-ATACCCTTTGTGATAAAATATTTTACTTACAGTTTGTGGGTTAATCTCCTCCTCTCCCAT[A>G]GGTTCATCCATAATTTGCTGTCCATTCTGTGAAAAGCACAGCAAGCAGGAAGTTACCAAA-3'
Protein context (NP_004577.1, residues 22-42): AENGQQIMDE[Pro32=]MGEEEINPQT

ClinVar aggregate classification (germline): Likely benign (1 of 4 stars; one submission).

Conditions:
RPS6KA3-related disorder. Also called: RPS6KA3-related condition.

Submission:

PreventionGenetics, part of Exact Sciences
Classification: Likely benign for RPS6KA3-related condition. Last evaluated: 2025-07-30. Review status: criteria provided, single submitter. Criteria: ACMG Guidelines, 2015. Collection method: clinical testing. Allele origin: germline.
Comment: This variant is classified as likely benign based on ACMG/AMP sequence variant interpretation guidelines (Richards et al. 2015 PMID: 25741868, with internal and published modifications).